The following is an entry in ClinVar:

ClinVar aggregate classification (germline): Uncertain significance. Review status: reviewed by expert panel (3 of 4 stars). 2 submissions from 2 submitters: Uncertain significance (1). 1 of the submissions does not count toward it. Last evaluated 2024-07-25.

Conditions:
Hereditary thrombocytopenia and hematologic cancer predisposition syndrome. Identifiers: Orphanet 71290, MedGen CN281654, MONDO:0011071.
Hereditary thrombocytopenia and hematological cancer predisposition syndrome associated with RUNX1. Also called: Familial Platelet Disorder with Propensity to Acute Myelogenous Leukemia; Familial thrombocytopenia with propensity to acute myelogenous leukemia; RUNX1 Familial Platelet Disorder with Associated Myeloid Malignancies; PLATELET DISORDER, ASPIRIN-LIKE. Identifiers: Orphanet 71290, MedGen C1832388, MeSH C563324, MONDO:0100083, OMIM 601399.

Allele frequency attached by ClinVar (database versions not stated): gnomAD exomes below 0.00001; ExAC 0.00001; gnomAD 0.00001; 1000 Genomes Project 0.00020; 1000 Genomes Project 30x 0.00031.

Submissions (2):

ClinGen Myeloid Malignancy Variant Curation Expert Panel
Classification: Uncertain significance for Hereditary thrombocytopenia and hematologic cancer predisposition syndrome. Last evaluated: 2024-07-25. Review status: reviewed by expert panel. Criteria: ClinGen MyeloMalig ACMG Specifications v2. Collection method: curation. Allele origin: germline. Inheritance: Autosomal dominant inheritance.
Comment: NM_001754.5(RUNX1):c.264G>C (p.Glu88Asp) is a missense variant which does not meet any ACMG/AMP criteria. In summary, the clinical significance of this variant is uncertain. ACMG/AMP criteria applied, as specified by the Myeloid Malignancy Variant Curation Expert Panel for RUNX1: None.

Labcorp Genetics (formerly Invitae), Labcorp
Classification: Uncertain significance for Hereditary thrombocytopenia and hematological cancer predisposition syndrome associated with RUNX1. Last evaluated: 2023-04-14. Review status: criteria provided, single submitter. Criteria: Invitae Variant Classification Sherloc (09022015). Collection method: clinical testing. Allele origin: germline. Not counted in ClinVar's aggregate classification.
Comment: In summary, the available evidence is currently insufficient to determine the role of this variant in disease. Therefore, it has been classified as a Variant of Uncertain Significance. Advanced modeling of protein sequence and biophysical properties (such as structural, functional, and spatial information, amino acid conservation, physicochemical variation, residue mobility, and thermodynamic stability) has been performed at Invitae for this missense variant, however the output from this modeling did not meet the statistical confidence thresholds required to predict the impact of this variant on RUNX1 protein function. ClinVar contains an entry for this variant (Variation ID: 665375). This variant has not been reported in the literature in individuals affected with RUNX1-related conditions. This variant is present in population databases (rs542902574, gnomAD 0.007%). This sequence change replaces glutamic acid, which is acidic and polar, with aspartic acid, which is acidic and polar, at codon 88 of the RUNX1 protein (p.Glu88Asp).

NM_001754.5(RUNX1):c.264G>C (p.Glu88Asp)

Gene: RUNX1 (RUNX family transcription factor 1; minus strand). Cytogenetic location: 21q22.12.
Variant type: single nucleotide variant.
Coding change: c.264G>C on transcript NM_001754.5 (MANE Select); coding-DNA position 264, G replaced by C.
Protein change: p.Glu88Asp; replaces glutamic acid 88 with aspartic acid.
Molecular consequence: missense variant.
Genome position (GRCh38, 1-based): chr21:34,886,930, C>G on the plus strand (G>C on the coding strand, the complement: RUNX1 is on the minus strand). VCF-style: chr21-34886930-C-G. GRCh37 (hg19) VCF-style: chr21-36259227-C-G.
Other names: NM_001754.5(RUNX1):c.264G>C; p.Glu88Asp; c.183G>C, p.Glu61Asp (NM_001001890.3, NM_001122607.2); short protein forms E61D, E88D.
Identifiers: ClinVar variation 665375 (VCV000665375.10), dbSNP rs542902574, ClinGen allele CA10014558.